The following is an entry in ClinVar:

NM_002303.6(LEPR):c.371A>T (p.Asp124Val)

Gene: LEPR (leptin receptor; plus strand). Cytogenetic location: 1p31.3.
Variant type: single nucleotide variant.
Coding change: c.371A>T on transcript NM_002303.6 (MANE Select); coding-DNA position 371, A replaced by T.
Protein change: p.Asp124Val; replaces aspartic acid 124 with valine.
Molecular consequence: missense variant.
Genome position (GRCh38, 1-based): chr1:65,572,326, A>T. VCF-style: chr1-65572326-A-T. GRCh37 (hg19) VCF-style: chr1-66038009-A-T.
Other names: c.371A>T, p.Asp124Val (NM_001003679.3, NM_001003680.3, NM_001198687.2 and 2 more transcripts); short protein forms D124V.
Identifiers: ClinVar variation 2635775 (VCV002635775.2), dbSNP rs35573508, ClinGen allele CA894546.

ClinVar aggregate classification (germline): Uncertain significance (0 of 4 stars; one submission).

Conditions:
LEPR-related disorder. Also called: LEPR-related disorders; LEPR-related condition.

Submission:

PreventionGenetics, part of Exact Sciences
Classification: Uncertain significance for LEPR-related condition. Last evaluated: 2024-03-22. Review status: no assertion criteria provided. Collection method: clinical testing. Allele origin: germline.
Comment: The LEPR c.371A>T variant is predicted to result in the amino acid substitution p.Asp124Val. This variant was observed in a cohort of obese individuals, but in vitro functional studies did not support loss of function (Supplemental Data Set, Shah et al. 2023. PubMed ID: 36864747). This variant is reported in 0.017% of alleles in individuals of Latino descent in gnomAD. At this time, the clinical significance of this variant is uncertain due to the absence of conclusive functional and genetic evidence.